The following is an entry in ClinVar:

NM_005219.5(DIAPH1):c.117T>C (p.Phe39=)

Gene: DIAPH1 (diaphanous related formin 1; minus strand). Cytogenetic location: 5q31.3.
Variant type: single nucleotide variant.
Coding change: c.117T>C on transcript NM_005219.5 (MANE Select); coding-DNA position 117, T replaced by C.
Protein change: p.Phe39=; no amino-acid change (phenylalanine 39 retained).
Molecular consequence: synonymous variant.
Genome position (GRCh38, 1-based): chr5:141,618,798, A>G on the plus strand (T>C on the coding strand, the complement: DIAPH1 is on the minus strand). VCF-style: chr5-141618798-A-G. GRCh37 (hg19) VCF-style: chr5-140998365-A-G.
Other names: c.117T>C, p.Phe39= (NM_001079812.3, NM_001314007.2).
Identifiers: ClinVar variation 2953060 (VCV002953060.3), dbSNP rs1171153541, ClinGen allele CA446893337.

ClinVar aggregate classification (germline): Uncertain significance (1 of 4 stars; one submission).

Conditions:
Autosomal dominant nonsyndromic hearing loss 1. Also called: DEAFNESS, AUTOSOMAL DOMINANT 1, WITH OR WITHOUT THROMBOCYTOPENIA; KONIGSMARK SYNDROME. Identifiers: Orphanet 90635, MedGen C1852282, MONDO:0007424, OMIM 124900.
Progressive microcephaly-seizures-cortical blindness-developmental delay syndrome. Also called: Seizures, cortical blindness, and microcephaly syndrome. Identifiers: Orphanet 477814, MedGen C5567650, MONDO:0014714, OMIM 616632.

Allele frequency attached by ClinVar (database versions not stated): gnomAD exomes below 0.00001.
gnomAD v4.1: 3 of 1,554,444 alleles (0.00019%); highest among the groups gnomAD compares: Non-Finnish European, 0.00017%; no homozygotes.

Submission:

Labcorp Genetics (formerly Invitae), Labcorp
Classification: Uncertain significance for Progressive microcephaly-seizures-cortical blindness-developmental delay syndrome; Autosomal dominant nonsyndromic hearing loss 1. Last evaluated: 2023-01-24. Review status: criteria provided, single submitter. Criteria: Invitae Variant Classification Sherloc (09022015). Collection method: clinical testing. Allele origin: germline.
Comment: This sequence change affects codon 39 of the DIAPH1 mRNA. It is a 'silent' change, meaning that it does not change the encoded amino acid sequence of the DIAPH1 protein. It affects a nucleotide within the consensus splice site. The frequency data for this variant in the population databases is considered unreliable, as metrics indicate poor data quality at this position in the gnomAD database. This variant has not been reported in the literature in individuals affected with DIAPH1-related conditions. Algorithms developed to predict the effect of sequence changes on RNA splicing suggest that this variant is not likely to affect RNA splicing. In summary, the available evidence is currently insufficient to determine the role of this variant in disease. Therefore, it has been classified as a Variant of Uncertain Significance.